The following is an entry in ClinVar:

ClinVar aggregate classification (germline): Likely pathogenic (1 of 4 stars; one submission).

Conditions:
Primary ciliary dyskinesia 3. Identifiers: Orphanet 244, MedGen C1837618, MONDO:0012085, OMIM 608644.

Submission:

Myriad Genetics, Inc.
Classification: Likely pathogenic for Primary ciliary dyskinesia 3. Last evaluated: 2022-01-08. Review status: criteria provided, single submitter. Criteria: Myriad Women's Health Autosomal Recessive and X-Linked Classification Criteria (2021). Collection method: clinical testing. Allele origin: unknown.
Comment: NM_001369.2(DNAH5):c.9774_9775ins11(V3259Yfs*8) is expected to be pathogenic in the context of DNAH5-related primary ciliary dyskinesia. This variant is predicted to lead to an abnormal or absent protein product due to the creation of a premature termination codon in DNAH5, a gene where loss-of-function variants are known to be pathogenic. Please note: this variant was assessed in the context of healthy population screening.

NM_001369.3(DNAH5):c.9774_9775insTATAAGAGACA (p.Val3259fs)

Gene: DNAH5 (dynein axonemal heavy chain 5; minus strand). Cytogenetic location: 5p15.2.
Variant type: Insertion.
Coding change: c.9774_9775insTATAAGAGACA on transcript NM_001369.3 (MANE Select); coding-DNA positions 9774 to 9775, TATAAGAGACA inserted.
Protein change: p.Val3259fs; shifts the reading frame from valine 3259.
Molecular consequence: frameshift variant.
Genome position: GRCh38 VCF-style: chr5-13769082-C-CTGTCTCTTATA. GRCh37 (hg19) VCF-style: chr5-13769191-C-CTGTCTCTTATA.
Other names: short protein forms V3259fs.
Identifiers: ClinVar variation 1723909 (VCV001723909.2), dbSNP rs2546656471, ClinGen allele CA2580072196.